The following is an entry in ClinVar:

NM_000135.4(FANCA):c.2123C>T (p.Thr708Met)

Gene: FANCA (FA complementation group A; minus strand). Cytogenetic location: 16q24.3.
Variant type: single nucleotide variant.
Coding change: c.2123C>T on transcript NM_000135.4 (MANE Select); coding-DNA position 2123, C replaced by T.
Protein change: p.Thr708Met; replaces threonine 708 with methionine.
Molecular consequence: missense variant.
Genome position (GRCh38, 1-based): chr16:89,771,706, G>A on the plus strand (C>T on the coding strand, the complement: FANCA is on the minus strand). VCF-style: chr16-89771706-G-A. GRCh37 (hg19) VCF-style: chr16-89838114-G-A.
Other names: c.2123C>T, p.Thr708Met (NM_001286167.3); short protein forms T708M.
Identifiers: ClinVar variation 1199304 (VCV001199304.8), dbSNP rs775960094, ClinGen allele CA8251903.
Genomic context (GRCh38, chr16:89,771,706, plus strand): 5'-CCCCCTGCTTTGTTCTGAGCCCCTACACCTACCATGTGTTCCCGTGGCTCCAGTCTCGGC[G>A]TGTTGATGCTGAGCTGAATCTTTGATATCTCAACGCTGCTGTCATCCTCATTGTGGCCCA-3'
Protein context (NP_000126.2, residues 698-718): EISKIQLSIN[Thr708Met]PRLEPREHMA

ClinVar aggregate classification (germline): Uncertain significance. Review status: criteria provided, multiple submitters, no conflicts (2 of 4 stars). 3 submissions from 3 submitters: Uncertain significance (3). Last evaluated 2022-07-19.

Conditions:
Fanconi anemia complementation group A (FANCA). Also called: FANCA-Related Fanconi Anemia; Fanconi anemia, group A. Identifiers: Orphanet 84, MedGen C3469521, MONDO:0009215, OMIM 227650.
Fanconi anemia (FA). Also called: Fanconi's anemia. Identifiers: Orphanet 84, MedGen C0015625, MeSH D005199, MONDO:0019391.

Allele frequency attached by ClinVar (database versions not stated): gnomAD 0.00001 and 0.00002; gnomAD exomes 0.00002 and 0.00003; TOPMed 0.00003; ExAC 0.00004.
gnomAD v4.1: 32 of 1,614,046 alleles (0.002%); highest among the groups gnomAD compares: South Asian, 0.011%; no homozygotes.

Submissions (3):

Labcorp Genetics (formerly Invitae), Labcorp
Classification: Uncertain significance for Fanconi anemia. Last evaluated: 2022-07-19. Review status: criteria provided, single submitter. Criteria: Invitae Variant Classification Sherloc (09022015). Collection method: clinical testing. Allele origin: germline.
Comment: This sequence change replaces threonine, which is neutral and polar, with methionine, which is neutral and non-polar, at codon 708 of the FANCA protein (p.Thr708Met). This variant is present in population databases (rs775960094, gnomAD 0.01%). This missense change has been observed in individual(s) with Esophageal atresia (EA) with or without tracheoesophageal fistula (TEF) (PMID: 29621589). ClinVar contains an entry for this variant (Variation ID: 1199304). Advanced modeling of protein sequence and biophysical properties (such as structural, functional, and spatial information, amino acid conservation, physicochemical variation, residue mobility, and thermodynamic stability) performed at Invitae indicates that this missense variant is not expected to disrupt FANCA protein function. In summary, the available evidence is currently insufficient to determine the role of this variant in disease. Therefore, it has been classified as a Variant of Uncertain Significance.

Fulgent Genetics
Classification: Uncertain significance for Fanconi anemia complementation group A. Last evaluated: 2021-09-14. Review status: criteria provided, single submitter. Criteria: ACMG Guidelines, 2015. Collection method: clinical testing. Allele origin: unknown.

Genome-Nilou Lab
Classification: Uncertain significance for Fanconi anemia complementation group A. Last evaluated: 2021-07-14. Review status: criteria provided, single submitter. Criteria: ACMG Guidelines, 2015. Collection method: clinical testing. Allele origin: germline. Affected: no.

Literature cited by the submitters: PubMed 29621589 (cited by Labcorp Genetics (formerly Invitae), Labcorp).